The following is an entry in ClinVar:

NM_001145809.2(MYH14):c.4218G>A (p.Leu1406=)

Gene: MYH14 (myosin heavy chain 14; plus strand). Cytogenetic location: 19q13.33.
Variant type: single nucleotide variant.
Coding change: c.4218G>A on transcript NM_001145809.2 (MANE Select); coding-DNA position 4218, G replaced by A.
Protein change: p.Leu1406=; no amino-acid change (leucine 1406 retained).
Molecular consequence: synonymous variant.
Genome position (GRCh38, 1-based): chr19:50,280,311, G>A. VCF-style: chr19-50280311-G-A. GRCh37 (hg19) VCF-style: chr19-50783568-G-A.
Other names: c.4119G>A, p.Leu1373= (NM_001077186.2); c.4095G>A, p.Leu1365= (NM_024729.4).
Identifiers: ClinVar variation 2650313 (VCV002650313.24), dbSNP rs1260663659, ClinGen allele CA508177481.

ClinVar aggregate classification (germline): Likely benign (1 of 4 stars; one submission).

Allele frequency attached by ClinVar (database versions not stated): gnomAD exomes below 0.00001.
gnomAD v4.1: 4 of 1,550,740 alleles (0.00026%); highest among the groups gnomAD compares: Non-Finnish European, 0.00035%; no homozygotes.

Submission:

CeGaT Center for Human Genetics Tuebingen
Classification: Likely benign. Last evaluated: 2023-03-01. Review status: criteria provided, single submitter. Criteria: CeGaT Center For Human Genetics Tuebingen Variant Classification Criteria Version 2. Collection method: clinical testing. Allele origin: germline. Affected: yes. Observed: 1 variant allele.
Comment: MYH14: PM2:Supporting, BP4, BP7